The following is an entry in ClinVar:

NM_006206.6(PDGFRA):c.2938A>T (p.Met980Leu)

Gene: PDGFRA (platelet derived growth factor receptor alpha; plus strand). Cytogenetic location: 4q12.
Variant type: single nucleotide variant.
Coding change: c.2938A>T on transcript NM_006206.6 (MANE Select); coding-DNA position 2938, A replaced by T.
Protein change: p.Met980Leu; replaces methionine 980 with leucine.
Molecular consequence: missense variant.
Genome position (GRCh38, 1-based): chr4:54,290,370, A>T. VCF-style: chr4-54290370-A-T. GRCh37 (hg19) VCF-style: chr4-55156537-A-T.
Other names: c.3013A>T, p.Met1005Leu (NM_001347828.2); c.2938A>T, p.Met980Leu (NM_001347829.2); c.2977A>T, p.Met993Leu (NM_001347830.2); short protein forms M993L, M1005L, M980L.
Identifiers: ClinVar variation 2765504 (VCV002765504.3), dbSNP rs769579172, ClinGen allele CA356896029.

ClinVar aggregate classification (germline): Uncertain significance (1 of 4 stars; one submission).

Conditions:
Gastrointestinal stromal tumor. Also called: Gastrointestinal stromal tumor, somatic; Gastrointestinal stroma tumor. Identifiers: Orphanet 44890, MedGen C0238198, MeSH D046152, MONDO:0011719, OMIM 606764, HP:0100723.

Submission:

Labcorp Genetics (formerly Invitae), Labcorp
Classification: Uncertain significance for Gastrointestinal stromal tumor. Last evaluated: 2023-06-04. Review status: criteria provided, single submitter. Criteria: Invitae Variant Classification Sherloc (09022015). Collection method: clinical testing. Allele origin: germline.
Comment: Advanced modeling of protein sequence and biophysical properties (such as structural, functional, and spatial information, amino acid conservation, physicochemical variation, residue mobility, and thermodynamic stability) performed at Invitae indicates that this missense variant is not expected to disrupt PDGFRA protein function. In summary, the available evidence is currently insufficient to determine the role of this variant in disease. Therefore, it has been classified as a Variant of Uncertain Significance. This variant has not been reported in the literature in individuals affected with PDGFRA-related conditions. This variant is not present in population databases (gnomAD no frequency). This sequence change replaces methionine, which is neutral and non-polar, with leucine, which is neutral and non-polar, at codon 980 of the PDGFRA protein (p.Met980Leu).